The following is an entry in ClinVar:

NM_001267550.2(TTN):c.77166T>C (p.Pro25722=)

Genes: TTN (titin; minus strand), TTN-AS1 (TTN antisense RNA 1; plus strand). Cytogenetic location: 2q31.2.
Variant type: single nucleotide variant.
Coding change: c.77166T>C on transcript NM_001267550.2 (MANE Select); coding-DNA position 77166, T replaced by C.
Protein change: p.Pro25722=; no amino-acid change (proline 25722 retained).
Molecular consequence: synonymous variant.
Genome position (GRCh38, 1-based): chr2:178,568,966, A>G on the plus strand (T>C on the coding strand, the complement: TTN is on the minus strand). VCF-style: chr2-178568966-A-G. GRCh37 (hg19) VCF-style: chr2-179433693-A-G.
Other names: c.72243T>C, p.Pro24081= (NM_001256850.1); c.49971T>C, p.Pro16657= (NM_003319.4); c.69462T>C, p.Pro23154= (NM_133378.4); c.50346T>C, p.Pro16782= (NM_133432.3); c.50547T>C, p.Pro16849= (NM_133437.4).
Identifiers: ClinVar variation 500609 (VCV000500609.24), dbSNP rs757252494, ClinGen allele CA60993257.

ClinVar aggregate classification (germline): Conflicting classifications of pathogenicity. Review status: criteria provided, conflicting classifications (1 of 4 stars). 5 submissions from 5 submitters: Uncertain significance (1); Likely benign (4). Last evaluated 2026-01-27.

Conditions:
Cardiovascular phenotype. Identifiers: MedGen CN230736.
Autosomal recessive limb-girdle muscular dystrophy type 2J (LGMDR10). Also called: MUSCULAR DYSTROPHY, LIMB-GIRDLE, AUTOSOMAL RECESSIVE 10; Limb-girdle muscular dystrophy, type 2J. Identifiers: Orphanet 140922, MedGen C1837342, MONDO:0012127, OMIM 608807.
Dilated cardiomyopathy 1G (CMD1G). Identifiers: Orphanet 154, MedGen C1858763, MONDO:0011400, OMIM 604145.

Allele frequency attached by ClinVar (database versions not stated): gnomAD 0.00001; gnomAD exomes 0.00001; TOPMed 0.00002.
gnomAD v4.1: 20 of 1,613,282 alleles (0.0012%); highest among the groups gnomAD compares: Non-Finnish European, 0.0014%; no homozygotes.

Submissions (5):

Labcorp Genetics (formerly Invitae), Labcorp
Classification: Likely benign for Dilated cardiomyopathy 1G; Autosomal recessive limb-girdle muscular dystrophy type 2J. Last evaluated: 2026-01-27. Review status: criteria provided, single submitter. Criteria: Invitae Variant Classification Sherloc (09022015). Collection method: clinical testing. Allele origin: germline.

Ambry Genetics
Classification: Likely benign for Cardiovascular phenotype. Last evaluated: 2022-03-12. Review status: criteria provided, single submitter. Criteria: Ambry Variant Classification Scheme 2023. Collection method: clinical testing. Allele origin: germline.

ARUP Laboratories, Molecular Genetics and Genomics, ARUP Laboratories
Classification: Likely benign. Last evaluated: 2019-10-05. Review status: criteria provided, single submitter. Criteria: ARUP Molecular Germline Variant Investigation Process. Collection method: clinical testing. Allele origin: germline.

GeneDx
Classification: Likely benign. Last evaluated: 2018-01-04. Review status: criteria provided, single submitter. Criteria: GeneDx Variant Classification (06012015). Collection method: clinical testing. Allele origin: germline. Affected: yes.
Comment: This variant is considered likely benign or benign based on one or more of the following criteria: it is a conservative change, it occurs at a poorly conserved position in the protein, it is predicted to be benign by multiple in silico algorithms, and/or has population frequency not consistent with disease.

Eurofins Ntd Llc (ga)
Classification: Uncertain significance. Last evaluated: 2017-02-28. Review status: criteria provided, single submitter. Criteria: EGL Classification Definitions 2015. Collection method: clinical testing. Allele origin: germline. Observed: 1 variant allele, 1 heterozygote.